The following is an entry in ClinVar:

ClinVar aggregate classification (germline): Uncertain significance (1 of 4 stars; one submission).

Conditions:
Hereditary cancer-predisposing syndrome. Also called: Neoplastic Syndromes, Hereditary; Tumor predisposition; Hereditary Cancer Syndrome; Hereditary neoplastic syndrome. Identifiers: Orphanet 140162, MedGen C0027672, MeSH D009386, MONDO:0015356.

gnomAD v4.1: 2 of 1,612,964 alleles (0.00012%); highest among the groups gnomAD compares: Non-Finnish European, 0.00017%; no homozygotes.

Submission:

Ambry Genetics
Classification: Uncertain significance for Hereditary cancer-predisposing syndrome. Last evaluated: 2026-02-20. Review status: criteria provided, single submitter. Criteria: Ambry Variant Classification Scheme 2023. Collection method: clinical testing. Allele origin: germline.
Comment: The p.G345E variant (also known as c.1034G>A), located in coding exon 9 of the RAD51C gene, results from a G to A substitution at nucleotide position 1034. The glycine at codon 345 is replaced by glutamic acid, an amino acid with similar properties. This amino acid position is highly conserved in available vertebrate species. In addition, this alteration is predicted to be tolerated by in silico analysis. Based on the available evidence, the clinical significance of this variant remains unclear.

NM_058216.3(RAD51C):c.1034G>A (p.Gly345Glu)

Gene: RAD51C (RAD51 paralog C; plus strand). Cytogenetic location: 17q22.
Variant type: single nucleotide variant.
Coding change: c.1034G>A on transcript NM_058216.3 (MANE Select); coding-DNA position 1034, G replaced by A.
Protein change: p.Gly345Glu; replaces glycine 345 with glutamic acid.
Molecular consequence: missense variant. On other transcripts: non-coding transcript variant (1).
Genome position (GRCh38, 1-based): chr17:58,734,125, G>A. VCF-style: chr17-58734125-G-A. GRCh37 (hg19) VCF-style: chr17-56811486-G-A.
Other names: short protein forms G345E.
Identifiers: ClinVar variation 4844190 (VCV004844190.1).
Genomic context (GRCh38, chr17:58,734,125, plus strand): 5'-CAGTCTTCAAATGTTCTTAAAGCATATTTGTATATATATTTTTTATCTTTCAGCCTCAGG[G>A]ATTTAGAGATACTGTTGTTACTTCTGCATGTTCATTGCAAACAGAAGGTTCCTTGAGCAC-3'
Protein context (NP_478123.1, residues 335-355): CTVLFQIKPQ[Gly345Glu]FRDTVVTSAC